The following is an entry in ClinVar:

ClinVar aggregate classification (germline): Uncertain significance (1 of 4 stars; one submission).

Conditions:
Bifunctional peroxisomal enzyme deficiency (DBIF). Also called: DBP DEFICIENCY; PBFE DEFICIENCY; D-bifunctional protein deficiency. Identifiers: Orphanet 300, MedGen C0342870, MONDO:0009855, OMIM 261515. Disease mechanism: loss of function.

gnomAD v4.1: 1 of 1,574,026 alleles (0.000064%); highest among the groups gnomAD compares: Non-Finnish European, 0.000087%; no homozygotes.

Submission:

Neuberg Centre For Genomic Medicine, NCGM
Classification: Uncertain significance for Bifunctional peroxisomal enzyme deficiency. Review status: criteria provided, single submitter. Criteria: ACMG Guidelines, 2015. Collection method: clinical testing. Allele origin: germline. Inheritance: Autosomal recessive inheritance. Affected: yes.
Comment: The missense c.1681G>C (p.Ala561Pro) variant in HSD17B4 gene has not been reported previously as a pathogenic variant nor as a benign variant, to our knowledge. The p.Ala561Pro variant is absent in gnomAD Exomes. This variant has not been submitted to the ClinVar database. Multiple lines of computational evidence (Polyphen - Probably Damaging, SIFT - Damaging and MutationTaster - Disease causing) predict a damaging effect on protein structure and function for this variant. The reference amino acid at this position in HSD17B4 is predicted as conserved by GERP++ and PhyloP across 100 vertebrates. The amino acid Ala at position 561 is changed to a Pro changing protein sequence and it might alter its composition and physico-chemical properties. For these reasons, this variant has been classified as a Variant of Uncertain Significance (VUS).

NM_000414.4(HSD17B4):c.1681G>C (p.Ala561Pro)

Gene: HSD17B4 (hydroxysteroid 17-beta dehydrogenase 4; plus strand). Cytogenetic location: 5q23.1.
Variant type: single nucleotide variant.
Coding change: c.1681G>C on transcript NM_000414.4 (MANE Select); coding-DNA position 1681, G replaced by C.
Protein change: p.Ala561Pro; replaces alanine 561 with proline.
Molecular consequence: missense variant. On other transcripts: non-coding transcript variant (2).
Genome position (GRCh38, 1-based): chr5:119,527,133, G>C. VCF-style: chr5-119527133-G-C. GRCh37 (hg19) VCF-style: chr5-118862828-G-C.
Other names: c.1756G>C, p.Ala586Pro (NM_001199291.3); c.1627G>C, p.Ala543Pro (NM_001199292.2); c.1609G>C, p.Ala537Pro (NM_001292027.2, NM_001374498.1); c.1261G>C, p.Ala421Pro (NM_001292028.2); c.1672G>C, p.Ala558Pro (NM_001374497.1); c.1354G>C, p.Ala452Pro (NM_001374499.1); c.1240G>C, p.Ala414Pro (NM_001374500.1); c.1270G>C, p.Ala424Pro (NM_001374501.1, NM_001374502.1, NM_001374503.1); short protein forms A452P, A424P, A537P, A558P, A561P, A421P, A586P, A414P.
Identifiers: ClinVar variation 2585145 (VCV002585145.2), dbSNP rs201966018, ClinGen allele CA360869440.